The following is an entry in ClinVar:

ClinVar aggregate classification (germline): Uncertain significance (1 of 4 stars; one submission).

Conditions:
Norman-Roberts syndrome (LIS2). Also called: Lissencephaly 2 (Norman-Roberts type). Identifiers: Orphanet 89844, MedGen C0796089, MONDO:0009760, OMIM 257320.
Familial temporal lobe epilepsy 7. Identifiers: Orphanet 101046, MedGen C4225327, MONDO:0014639, OMIM 616436.

Allele frequency attached by ClinVar (database versions not stated): gnomAD exomes below 0.00001; ExAC 0.00001.
gnomAD v4.1: 2 of 1,614,152 alleles (0.00012%); highest among the groups gnomAD compares: Non-Finnish European, 0.00017%; no homozygotes.

Submission:

Labcorp Genetics (formerly Invitae), Labcorp
Classification: Uncertain significance for Familial temporal lobe epilepsy 7; Norman-Roberts syndrome. Last evaluated: 2024-01-29. Review status: criteria provided, single submitter. Criteria: Invitae Variant Classification Sherloc (09022015). Collection method: clinical testing. Allele origin: germline.
Comment: This sequence change replaces histidine, which is basic and polar, with leucine, which is neutral and non-polar, at codon 2006 of the RELN protein (p.His2006Leu). This variant is present in population databases (rs780827335, gnomAD 0.002%). This variant has not been reported in the literature in individuals affected with RELN-related conditions. Advanced modeling of protein sequence and biophysical properties (such as structural, functional, and spatial information, amino acid conservation, physicochemical variation, residue mobility, and thermodynamic stability) has been performed at Invitae for this missense variant, however the output from this modeling did not meet the statistical confidence thresholds required to predict the impact of this variant on RELN protein function. In summary, the available evidence is currently insufficient to determine the role of this variant in disease. Therefore, it has been classified as a Variant of Uncertain Significance.

NM_005045.4(RELN):c.6017A>T (p.His2006Leu)

Gene: RELN (reelin; minus strand). Cytogenetic location: 7q22.1.
Variant type: single nucleotide variant.
Coding change: c.6017A>T on transcript NM_005045.4 (MANE Select); coding-DNA position 6017, A replaced by T.
Protein change: p.His2006Leu; replaces histidine 2006 with leucine.
Molecular consequence: missense variant.
Genome position (GRCh38, 1-based): chr7:103,553,516, T>A on the plus strand (A>T on the coding strand, the complement: RELN is on the minus strand). VCF-style: chr7-103553516-T-A. GRCh37 (hg19) VCF-style: chr7-103193963-T-A.
Other names: c.6017A>T, p.His2006Leu (NM_173054.3); short protein forms H2006L.
Identifiers: ClinVar variation 2954335 (VCV002954335.3), dbSNP rs780827335, ClinGen allele CA4421052.